The following is an entry in ClinVar:

ClinVar aggregate classification (germline): Conflicting classifications of pathogenicity. Review status: criteria provided, conflicting classifications (1 of 4 stars). 2 submissions from 2 submitters: Uncertain significance (1); Likely benign (1). Last evaluated 2023-11-21.

Conditions:
Inborn genetic diseases. Identifiers: MedGen C0950123, MeSH D030342.

Allele frequency attached by ClinVar (database versions not stated): gnomAD exomes 0.00005 and 0.00016; gnomAD 0.00007; ESP Exome Variant Server 0.00008; TOPMed 0.00011; ExAC 0.00015.
gnomAD v4.1: 80 of 1,613,916 alleles (0.005%); highest among the groups gnomAD compares: Admixed American, 0.04%; 1 homozygote.

Submissions (2):

Ambry Genetics
Classification: Likely benign for Inborn genetic diseases. Last evaluated: 2023-11-21. Review status: criteria provided, single submitter. Criteria: Ambry Variant Classification Scheme 2023. Collection method: clinical testing. Allele origin: germline.

Labcorp Genetics (formerly Invitae), Labcorp
Classification: Uncertain significance. Last evaluated: 2022-07-14. Review status: criteria provided, single submitter. Criteria: Invitae Variant Classification Sherloc (09022015). Collection method: clinical testing. Allele origin: germline.
Comment: This sequence change replaces isoleucine, which is neutral and non-polar, with valine, which is neutral and non-polar, at codon 238 of the PIGL protein (p.Ile238Val). This variant is present in population databases (rs370082158, gnomAD 0.06%). This variant has not been reported in the literature in individuals affected with PIGL-related conditions. ClinVar contains an entry for this variant (Variation ID: 1058607). Algorithms developed to predict the effect of missense changes on protein structure and function output the following: SIFT: "Tolerated"; PolyPhen-2: "Benign"; Align-GVGD: "Class C0". The valine amino acid residue is found in multiple mammalian species, which suggests that this missense change does not adversely affect protein function. In summary, the available evidence is currently insufficient to determine the role of this variant in disease. Therefore, it has been classified as a Variant of Uncertain Significance.

NM_004278.4(PIGL):c.712A>G (p.Ile238Val)

Gene: PIGL (phosphatidylinositol glycan anchor biosynthesis class L; plus strand). Cytogenetic location: 17p11.2.
Variant type: single nucleotide variant.
Coding change: c.712A>G on transcript NM_004278.4 (MANE Select); coding-DNA position 712, A replaced by G.
Protein change: p.Ile238Val; replaces isoleucine 238 with valine.
Molecular consequence: missense variant.
Genome position (GRCh38, 1-based): chr17:16,325,851, A>G. VCF-style: chr17-16325851-A-G. GRCh37 (hg19) VCF-style: chr17-16229165-A-G.
Other names: c.712A>G (NM_004278.3); short protein forms I238V.
Identifiers: ClinVar variation 1058607 (VCV001058607.3), dbSNP rs370082158, ClinGen allele CA8410041.